The following is an entry in ClinVar:

ClinVar aggregate classification (germline): Pathogenic (1 of 4 stars; one submission).

Conditions:
Rubinstein-Taybi syndrome (RSTS). Identifiers: Orphanet 783, MedGen C0035934, MONDO:0019188.

Submission:

Labcorp Genetics (formerly Invitae), Labcorp
Classification: Pathogenic for Rubinstein-Taybi syndrome. Last evaluated: 2023-10-22. Review status: criteria provided, single submitter. Criteria: Invitae Variant Classification Sherloc (09022015). Collection method: clinical testing. Allele origin: unknown.
Comment: This variant is a gross deletion of the genomic region encompassing exon(s) 12-13 of the CREBBP gene. This deletion is out-of-frame, and is expected to create a premature termination codon and result in an absent or disrupted protein product. Loss-of-function variants in CREBBP are known to be pathogenic (PMID: 17052327, 18792986). This variant has not been reported in the literature in individuals affected with CREBBP-related conditions. For these reasons, this variant has been classified as Pathogenic.

Literature cited by the submitters: PubMed 17052327; PubMed 18792986.

NC_000016.9:g.(?_3823732)_(3824714_?)del

Gene: CREBBP (CREB binding lysine acetyltransferase; minus strand). Cytogenetic location: 16p13.3.
Variant type: Deletion.
Identifiers: ClinVar variation 3243312 (VCV003243312.1).